The following is an entry in ClinVar:

ClinVar aggregate classification (germline): Uncertain significance (1 of 4 stars; one submission).

Conditions:
TP63-Related Spectrum Disorders.

Allele frequency attached by ClinVar (database versions not stated): gnomAD exomes below 0.00001.
gnomAD v4.1: 2 of 1,613,924 alleles (0.00012%); highest among the groups gnomAD compares: Non-Finnish European, 0.00017%; no homozygotes.

Submission:

Labcorp Genetics (formerly Invitae), Labcorp
Classification: Uncertain significance. Last evaluated: 2022-01-15. Review status: criteria provided, single submitter. Criteria: Invitae Variant Classification Sherloc (09022015). Collection method: clinical testing. Allele origin: germline.
Comment: This sequence change replaces threonine, which is neutral and polar, with serine, which is neutral and polar, at codon 191 of the TP63 protein (p.Thr191Ser). This variant is not present in population databases (gnomAD no frequency). This variant has not been reported in the literature in individuals affected with TP63-related conditions. Algorithms developed to predict the effect of missense changes on protein structure and function are either unavailable or do not agree on the potential impact of this missense change (SIFT: "Tolerated"; PolyPhen-2: "Probably Damaging"; Align-GVGD: "Class C0"). In summary, the available evidence is currently insufficient to determine the role of this variant in disease. Therefore, it has been classified as a Variant of Uncertain Significance.

NM_003722.5(TP63):c.571A>T (p.Thr191Ser)

Gene: TP63 (tumor protein p63; plus strand). Cytogenetic location: 3q28.
Variant type: single nucleotide variant.
Coding change: c.571A>T on transcript NM_003722.5 (MANE Select); coding-DNA position 571, A replaced by T.
Protein change: p.Thr191Ser; replaces threonine 191 with serine.
Molecular consequence: missense variant. On other transcripts: intron variant (2).
Genome position (GRCh38, 1-based): chr3:189,808,518, A>T. VCF-style: chr3-189808518-A-T. GRCh37 (hg19) VCF-style: chr3-189526307-A-T.
Other names: c.571A>T, p.Thr191Ser (NM_001114978.2, NM_001114979.2, NM_001329144.2 and 1 more transcripts); c.289A>T, p.Thr97Ser (NM_001114980.2, NM_001114981.2, NM_001114982.2 and 2 more transcripts); c.565A>T, p.Thr189Ser (NM_001329964.2); c.42+18676A>T (NM_001329146.2, NM_001329150.2); short protein forms T191S, T189S, T97S.
Identifiers: ClinVar variation 1413071 (VCV001413071.7), dbSNP rs2108638610, ClinGen allele CA355750847.